The following is an entry in ClinVar:

ClinVar aggregate classification (germline): Uncertain significance (1 of 4 stars; one submission).

Submission:

GeneDx
Classification: Uncertain significance. Last evaluated: 2024-09-17. Review status: criteria provided, single submitter. Criteria: GeneDx Variant Classification Process June 2021. Collection method: clinical testing. Allele origin: germline. Affected: yes.
Comment: Not observed at significant frequency in large population cohorts (gnomAD); In silico analysis indicates that this missense variant does not alter protein structure/function; Has not been previously published as pathogenic or benign to our knowledge

NM_001127222.2(CACNA1A):c.2584G>T (p.Ala862Ser)

Gene: CACNA1A (calcium voltage-gated channel subunit alpha1 A; minus strand). Cytogenetic location: 19p13.13.
Variant type: single nucleotide variant.
Coding change: c.2584G>T on transcript NM_001127222.2 (MANE Select); coding-DNA position 2584, G replaced by T.
Protein change: p.Ala862Ser; replaces alanine 862 with serine.
Molecular consequence: missense variant.
Genome position (GRCh38, 1-based): chr19:13,299,049, C>A on the plus strand (G>T on the coding strand, the complement: CACNA1A is on the minus strand). VCF-style: chr19-13299049-C-A. GRCh37 (hg19) VCF-style: chr19-13409863-C-A.
Other names: c.2596G>T, p.Ala866Ser (NM_000068.4, NM_023035.3); c.2587G>T, p.Ala863Ser (NM_001127221.2, NM_001174080.2); short protein forms A862S, A863S, A866S.
Identifiers: ClinVar variation 3774631 (VCV003774631.1).